The following is an entry in ClinVar:

NM_001457.4(FLNB):c.6478dup (p.Gln2160fs)

Gene: FLNB (filamin B; plus strand). Cytogenetic location: 3p14.3.
Variant type: Duplication.
Coding change: c.6478dup on transcript NM_001457.4 (MANE Select); coding-DNA position 6478, one base duplicated (C; older notation c.6478dupC).
Protein change: p.Gln2160fs; shifts the reading frame from glutamine 2160.
Molecular consequence: frameshift variant.
Genome position (GRCh38, 1-based): chr3:58,153,485, C duplicated; the last of 4 consecutive C bases (chr3:58,153,482-58,153,485); duplicating any one gives the same sequence. VCF-style (leftmost placement, unchanged base first): chr3-58153481-G-GC. GRCh37 (hg19) VCF-style: chr3-58139208-G-GC.
Other names: c.6571dup, p.Gln2191fs (NM_001164317.2); c.6445dup, p.Gln2149fs (NM_001164318.2); c.6406dup, p.Gln2136fs (NM_001164319.2); short protein forms Q2160fs, Q2191fs, Q2136fs, Q2149fs.
Identifiers: ClinVar variation 3652535 (VCV003652535.2).

ClinVar aggregate classification (germline): Pathogenic (1 of 4 stars; one submission).

Submission:

Labcorp Genetics (formerly Invitae), Labcorp
Classification: Pathogenic. Last evaluated: 2024-05-07. Review status: criteria provided, single submitter. Criteria: Invitae Variant Classification Sherloc (09022015). Collection method: clinical testing. Allele origin: germline.
Comment: This sequence change creates a premature translational stop signal (p.Gln2160Profs*31) in the FLNB gene. It is expected to result in an absent or disrupted protein product. Loss-of-function variants in FLNB are known to be pathogenic (PMID: 14991055). This variant is not present in population databases (gnomAD no frequency). This variant has not been reported in the literature in individuals affected with FLNB-related conditions. Algorithms developed to predict the effect of sequence changes on RNA splicing suggest that this variant may create or strengthen a splice site. For these reasons, this variant has been classified as Pathogenic.

Literature cited by the submitters: PubMed 14991055.